The following is an entry in ClinVar:

NM_005120.3(MED12):c.1967A>G (p.Lys656Arg)

Gene: MED12 (mediator complex subunit 12; plus strand). Cytogenetic location: Xq13.1.
Variant type: single nucleotide variant.
Coding change: c.1967A>G on transcript NM_005120.3 (MANE Select); coding-DNA position 1967, A replaced by G.
Protein change: p.Lys656Arg; replaces lysine 656 with arginine.
Molecular consequence: missense variant.
Genome position (GRCh38, 1-based): chrX:71,124,381, A>G. VCF-style: chrX-71124381-A-G. GRCh37 (hg19) VCF-style: chrX-70344231-A-G.
Other names: short protein forms K656R.
Identifiers: ClinVar variation 3377908 (VCV003377908.1).

ClinVar aggregate classification (germline): Uncertain significance (1 of 4 stars; one submission).

Submission:

GeneDx
Classification: Uncertain significance. Last evaluated: 2024-05-18. Review status: criteria provided, single submitter. Criteria: GeneDx Variant Classification Process June 2021. Collection method: clinical testing. Allele origin: germline. Affected: yes.
Comment: Not observed at significant frequency in large population cohorts (gnomAD); In silico analysis indicates that this missense variant does not alter protein structure/function; Has not been previously published as pathogenic or benign to our knowledge